The following is an entry in ClinVar:

ClinVar aggregate classification (germline): Uncertain significance (1 of 4 stars; one submission).

Submission:

GeneDx
Classification: Uncertain significance. Last evaluated: 2025-03-21. Review status: criteria provided, single submitter. Criteria: GeneDx Variant Classification Process June 2021. Collection method: clinical testing. Allele origin: germline. Affected: yes.
Comment: Not observed at significant frequency in large population cohorts (gnomAD); In silico analysis indicates that this missense variant does not alter protein structure/function; This variant is associated with the following publications: (PMID: 19782031, 22419737, 38332730)

NM_007194.4(CHEK2):c.1078G>C (p.Glu360Gln)

Gene: CHEK2 (checkpoint kinase 2; minus strand). Cytogenetic location: 22q12.1.
Variant type: single nucleotide variant.
Coding change: c.1078G>C on transcript NM_007194.4 (MANE Select); coding-DNA position 1078, G replaced by C.
Protein change: p.Glu360Gln; replaces glutamic acid 360 with glutamine.
Molecular consequence: missense variant. On other transcripts: intron variant (3).
Genome position (GRCh38, 1-based): chr22:28,696,918, C>G on the plus strand (G>C on the coding strand, the complement: CHEK2 is on the minus strand). VCF-style: chr22-28696918-C-G. GRCh37 (hg19) VCF-style: chr22-29092906-C-G.
Other names: c.1207G>C, p.Glu403Gln (NM_001005735.3); c.415G>C, p.Glu139Gln (NM_001257387.3, NM_001437942.1); c.877G>C, p.Glu293Gln (NM_001349956.3); c.1171G>C, p.Glu391Gln (NM_001438293.1); c.1009-1045G>C (NM_145862.3); c.1102-1045G>C (NM_001438295.1); c.1138-1045G>C (NM_001438294.1); short protein forms E139Q, E293Q, E360Q, E391Q, E403Q.
Identifiers: ClinVar variation 4086383 (VCV004086383.1).